The following is an entry in ClinVar:

ClinVar aggregate classification (germline): Uncertain significance. Review status: criteria provided, multiple submitters, no conflicts (2 of 4 stars). 2 submissions from 2 submitters: Uncertain significance (2). Last evaluated 2025-09-06.

gnomAD v4.1: 20 of 1,614,080 alleles (0.0012%); highest among the groups gnomAD compares: African/African-American, 0.008%; no homozygotes.

Submissions (2):

Labcorp Genetics (formerly Invitae), Labcorp
Classification: Uncertain significance. Last evaluated: 2025-09-06. Review status: criteria provided, single submitter. Criteria: Invitae Variant Classification Sherloc (09022015). Collection method: clinical testing. Allele origin: germline.
Comment: This sequence change replaces arginine, which is basic and polar, with cysteine, which is neutral and slightly polar, at codon 1453 of the DLC1 protein (p.Arg1453Cys). This variant is present in population databases (rs781164210, gnomAD 0.009%). This variant has not been reported in the literature in individuals affected with DLC1-related conditions. ClinVar contains an entry for this variant (Variation ID: 4011947). An algorithm developed to predict the effect of missense changes on protein structure and function (PolyPhen-2) suggests that this variant is likely to be disruptive. In summary, the available evidence is currently insufficient to determine the role of this variant in disease. Therefore, it has been classified as a Variant of Uncertain Significance.

Ambry Genetics
Classification: Uncertain significance. Last evaluated: 2025-04-12. Review status: criteria provided, single submitter. Criteria: Ambry Variant Classification Scheme 2023. Collection method: clinical testing. Allele origin: germline.

NM_182643.3(DLC1):c.4357C>T (p.Arg1453Cys)

Gene: DLC1 (DLC1 Rho GTPase activating protein; minus strand). Cytogenetic location: 8p22.
Variant type: single nucleotide variant.
Coding change: c.4357C>T on transcript NM_182643.3 (MANE Select); coding-DNA position 4357, C replaced by T.
Protein change: p.Arg1453Cys; replaces arginine 1453 with cysteine.
Molecular consequence: missense variant. On other transcripts: intron variant (1).
Genome position (GRCh38, 1-based): chr8:13,086,399, G>A on the plus strand (C>T on the coding strand, the complement: DLC1 is on the minus strand). VCF-style: chr8-13086399-G-A. GRCh37 (hg19) VCF-style: chr8-12943908-G-A.
Other names: c.3148C>T, p.Arg1050Cys (NM_001316668.2); c.4357C>T, p.Arg1453Cys (NM_001348081.2, NM_001413124.1); c.2824C>T, p.Arg942Cys (NM_001348082.2, NM_001348083.1, NM_001348084.2 and 6 more transcripts); c.2929C>T, p.Arg977Cys (NM_001413129.1); c.3139C>T, p.Arg1047Cys (NM_001413130.1); c.2797C>T, p.Arg933Cys (NM_001413131.1, NM_001413137.1); c.3283C>T, p.Arg1095Cys (NM_001413132.1); c.3046C>T, p.Arg1016Cys (NM_001413135.1, NM_006094.5); and 3 more; short protein forms R1061C, R1453C, R1047C, R1095C, R943C, R977C, R1016C, R933C.
Identifiers: ClinVar variation 4011947 (VCV004011947.2).